The following is an entry in ClinVar:

NM_052947.4(ALPK2):c.3169T>G (p.Leu1057Val)

Gene: ALPK2 (alpha kinase 2; minus strand). Cytogenetic location: 18q21.31.
Variant type: single nucleotide variant.
Coding change: c.3169T>G on transcript NM_052947.4 (MANE Select); coding-DNA position 3169, T replaced by G.
Protein change: p.Leu1057Val; replaces leucine 1057 with valine.
Molecular consequence: missense variant.
Genome position (GRCh38, 1-based): chr18:58,537,018, A>C on the plus strand (T>G on the coding strand, the complement: ALPK2 is on the minus strand). VCF-style: chr18-58537018-A-C. GRCh37 (hg19) VCF-style: chr18-56204250-A-C.
Other names: short protein forms L1057V.
Identifiers: ClinVar variation 3059141 (VCV003059141.2), dbSNP rs3809976, ClinGen allele CA8976949.
Genomic context (GRCh38, chr18:58,537,018, plus strand): 5'-GTGCCCTGCAAAGTAGCTCTTTTGTAGATTTGATGGTAGCACCACTTAAAATATGATCCA[A>C]CTGCACTTGGGAAGGAAATTGGGAAACCTTTTCATGGGATGCACGAGGGAACCTCTCCTC-3'
Protein context (NP_443179.3, residues 1047-1067): KVSQFPSQVQ[Leu1057Val]DHILSGATIK

ClinVar aggregate classification (germline): Benign (0 of 4 stars; one submission).

Conditions:
ALPK2-related disorder. Also called: ALPK2-related condition.

Allele frequency attached by ClinVar (database versions not stated): 1000 Genomes Project 30x 0.66755; 1000 Genomes Project 0.67212; TOPMed 0.68072; ESP Exome Variant Server 0.68322; gnomAD 0.69985; ExAC 0.74627.
gnomAD v4.1: 1,229,185 of 1,613,902 alleles (76%); highest among the groups gnomAD compares: East Asian, 81%; 471,825 homozygotes.

Submission:

PreventionGenetics, part of Exact Sciences
Classification: Benign for ALPK2-related condition. Last evaluated: 2019-10-17. Review status: no assertion criteria provided. Collection method: clinical testing. Allele origin: germline.
Comment: This variant is classified as benign based on ACMG/AMP sequence variant interpretation guidelines (Richards et al. 2015 PMID: 25741868, with internal and published modifications).